The following is an entry in ClinVar:

ClinVar aggregate classification (germline): Pathogenic. Review status: criteria provided, multiple submitters, no conflicts (2 of 4 stars). 2 submissions from 2 submitters: Pathogenic (2). Last evaluated 2025-12-30.

Submissions (2):

Labcorp Genetics (formerly Invitae), Labcorp
Classification: Pathogenic. Last evaluated: 2025-12-30. Review status: criteria provided, single submitter. Criteria: Invitae Variant Classification Sherloc (09022015). Collection method: clinical testing. Allele origin: germline.
Comment: This sequence change creates a premature translational stop signal (p.Trp3785*) in the PKD1 gene. It is expected to result in an absent or disrupted protein product. Loss-of-function variants in PKD1 are known to be pathogenic (PMID: 20177400, 20301424, 33168999). This variant is not present in population databases (gnomAD no frequency). This premature translational stop signal has been observed in individual(s) with autosomal dominant polycystic kidney disease (PMID: 12842373, 22185115, 31160911). ClinVar contains an entry for this variant (Variation ID: 3766009). For these reasons, this variant has been classified as Pathogenic.

GeneDx
Classification: Pathogenic. Last evaluated: 2024-08-29. Review status: criteria provided, single submitter. Criteria: GeneDx Variant Classification Process June 2021. Collection method: clinical testing. Allele origin: germline. Affected: yes.
Comment: Nonsense variant predicted to result in protein truncation or nonsense mediated decay in a gene for which loss of function is a known mechanism of disease; Not observed at significant frequency in large population cohorts (gnomAD); This variant is associated with the following publications: (PMID: 12842373, 31160911, 22185115)

Literature cited by the submitters: PubMed 20177400 (cited by Labcorp Genetics (formerly Invitae), Labcorp); PubMed 20301424 (cited by Labcorp Genetics (formerly Invitae), Labcorp); PubMed 33168999 (cited by Labcorp Genetics (formerly Invitae), Labcorp); PubMed 12842373 (cited by Labcorp Genetics (formerly Invitae), Labcorp); PubMed 22185115 (cited by Labcorp Genetics (formerly Invitae), Labcorp); PubMed 31160911 (cited by Labcorp Genetics (formerly Invitae), Labcorp).

NM_001009944.3(PKD1):c.11355G>A (p.Trp3785Ter)

Genes: PKD1 (polycystin 1, transient receptor potential channel interacting; minus strand), PKD1-AS1 (PKD1 antisense RNA 1; plus strand). Cytogenetic location: 16p13.3.
Variant type: single nucleotide variant.
Coding change: c.11355G>A on transcript NM_001009944.3 (MANE Select); coding-DNA position 11355, G replaced by A.
Protein change: p.Trp3785Ter; replaces tryptophan 3785 with a stop codon.
Molecular consequence: nonsense.
Genome position (GRCh38, 1-based): chr16:2,092,103, C>T on the plus strand (G>A on the coding strand, the complement: PKD1 is on the minus strand). VCF-style: chr16-2092103-C-T. GRCh37 (hg19) VCF-style: chr16-2142104-C-T.
Other names: c.11352G>A, p.Trp3784Ter (NM_000296.4); short protein forms W3784*, W3785*.
Identifiers: ClinVar variation 3766009 (VCV003766009.2).